The following is an entry in ClinVar:

NM_001018005.2(TPM1):c.395G>T (p.Ser132Ile)

Gene: TPM1 (tropomyosin 1; plus strand). Cytogenetic location: 15q22.2.
Variant type: single nucleotide variant.
Coding change: c.395G>T on transcript NM_001018005.2 (MANE Select); coding-DNA position 395, G replaced by T.
Protein change: p.Ser132Ile; replaces serine 132 with isoleucine.
Molecular consequence: missense variant. On other transcripts: non-coding transcript variant (17).
Genome position (GRCh38, 1-based): chr15:63,059,583, G>T. VCF-style: chr15-63059583-G-T. GRCh37 (hg19) VCF-style: chr15-63351782-G-T.
Other names: c.287G>T, p.Ser96Ile (NM_001407340.1, NM_001407341.1, NM_001407342.1 and 9 more transcripts); c.395G>T, p.Ser132Ile (NM_001407329.1, NM_001407330.1, NM_001407331.1 and 20 more transcripts); c.521G>T, p.Ser174Ile (NM_001407324.1, NM_001365778.1, NM_001407322.1 and 1 more transcripts); short protein forms S132I, S174I, S96I.
Identifiers: ClinVar variation 3658102 (VCV003658102.2).

ClinVar aggregate classification (germline): Uncertain significance (1 of 4 stars; one submission).

Conditions:
Hypertrophic cardiomyopathy. Also called: HYPERTROPHIC MYOCARDIOPATHY. Identifiers: Orphanet 217569, MedGen C0007194, MeSH D002312, MONDO:0005045, HP:0001639.

Submission:

Labcorp Genetics (formerly Invitae), Labcorp
Classification: Uncertain significance for Hypertrophic cardiomyopathy. Last evaluated: 2024-08-16. Review status: criteria provided, single submitter. Criteria: Invitae Variant Classification Sherloc (09022015). Collection method: clinical testing. Allele origin: germline.
Comment: This sequence change replaces serine, which is neutral and polar, with isoleucine, which is neutral and non-polar, at codon 132 of the TPM1 protein (p.Ser132Ile). This variant is not present in population databases (gnomAD no frequency). This variant has not been reported in the literature in individuals affected with TPM1-related conditions. An algorithm developed to predict the effect of missense changes on protein structure and function (PolyPhen-2) suggests that this variant is likely to be disruptive. In summary, the available evidence is currently insufficient to determine the role of this variant in disease. Therefore, it has been classified as a Variant of Uncertain Significance.